The following is an entry in ClinVar:

ClinVar aggregate classification (germline): Uncertain significance (1 of 4 stars; one submission).

Submission:

GeneDx
Classification: Uncertain significance. Last evaluated: 2024-06-18. Review status: criteria provided, single submitter. Criteria: GeneDx Variant Classification Process June 2021. Collection method: clinical testing. Allele origin: germline. Affected: yes.
Comment: Not observed at significant frequency in large population cohorts (gnomAD); In silico analysis supports that this missense variant has a deleterious effect on protein structure/function; Has not been previously published as pathogenic or benign to our knowledge

NM_001080421.3(UNC13A):c.5059C>T (p.Leu1687Phe)

Gene: UNC13A (unc-13 homolog A; minus strand). Cytogenetic location: 19p13.11.
Variant type: single nucleotide variant.
Coding change: c.5059C>T on transcript NM_001080421.3 (MANE Select); coding-DNA position 5059, C replaced by T.
Protein change: p.Leu1687Phe; replaces leucine 1687 with phenylalanine.
Molecular consequence: missense variant.
Genome position (GRCh38, 1-based): chr19:17,606,107, G>A on the plus strand (C>T on the coding strand, the complement: UNC13A is on the minus strand). VCF-style: chr19-17606107-G-A. GRCh37 (hg19) VCF-style: chr19-17716916-G-A.
Other names: c.4978C>T, p.Leu1660Phe (NM_001387023.1); c.5047C>T, p.Leu1683Phe (NM_001387021.1); c.5044C>T, p.Leu1682Phe (NM_001387022.1); short protein forms L1660F, L1682F, L1683F, L1687F.
Identifiers: ClinVar variation 3391729 (VCV003391729.1).